The following is an entry in ClinVar:

ClinVar aggregate classification (germline): Uncertain significance (1 of 4 stars; one submission).

gnomAD v4.1: 5 of 1,552,002 alleles (0.00032%); highest among the groups gnomAD compares: Admixed American, 0.0059%; no homozygotes.

Submission:

Labcorp Genetics (formerly Invitae), Labcorp
Classification: Uncertain significance. Last evaluated: 2025-12-24. Review status: criteria provided, single submitter. Criteria: Invitae Variant Classification Sherloc (09022015). Collection method: clinical testing. Allele origin: germline.
Comment: This sequence change replaces glutamic acid, which is acidic and polar, with lysine, which is basic and polar, at codon 1073 of the WDR87 protein (p.Glu1073Lys). This variant is present in population databases (no rsID available, gnomAD 0.008%). This variant has not been reported in the literature in individuals affected with WDR87-related conditions. An algorithm developed to predict the effect of missense changes on protein structure and function outputs the following: PolyPhen-2: "Benign". The lysine amino acid residue is found in multiple mammalian species, which suggests that this missense change does not adversely affect protein function. In summary, the available evidence is currently insufficient to determine the role of this variant in disease. Therefore, it has been classified as a Variant of Uncertain Significance.

NM_001291088.2(WDR87):c.3334G>A (p.Glu1112Lys)

Gene: WDR87 (WD repeat domain 87; minus strand). Cytogenetic location: 19q13.13.
Variant type: single nucleotide variant.
Coding change: c.3334G>A on transcript NM_001291088.2 (MANE Select); coding-DNA position 3334, G replaced by A.
Protein change: p.Glu1112Lys; replaces glutamic acid 1112 with lysine.
Molecular consequence: missense variant.
Genome position (GRCh38, 1-based): chr19:37,891,612, C>T on the plus strand (G>A on the coding strand, the complement: WDR87 is on the minus strand). VCF-style: chr19-37891612-C-T. GRCh37 (hg19) VCF-style: chr19-38382252-C-T.
Other names: c.3217G>A, p.Glu1073Lys (NM_031951.5); short protein forms E1073K, E1112K.
Identifiers: ClinVar variation 4709432 (VCV004709432.1).